The following is an entry in ClinVar:

NM_000059.4(BRCA2):c.7602G>A (p.Ala2534=)

Gene: BRCA2 (BRCA2 DNA repair associated; plus strand). Cytogenetic location: 13q13.1.
Variant type: single nucleotide variant.
Coding change: c.7602G>A on transcript NM_000059.4 (MANE Select); coding-DNA position 7602, G replaced by A.
Protein change: p.Ala2534=; no amino-acid change (alanine 2534 retained).
Molecular consequence: synonymous variant.
Genome position (GRCh38, 1-based): chr13:32,356,594, G>A. VCF-style: chr13-32356594-G-A. GRCh37 (hg19) VCF-style: chr13-32930731-G-A.
Identifiers: ClinVar variation 184977 (VCV000184977.26), dbSNP rs81002826, ClinGen allele CA025175.

ClinVar aggregate classification (germline): Likely benign. Review status: reviewed by expert panel (3 of 4 stars). 8 submissions from 8 submitters: Likely benign (1). 7 of the submissions do not count toward it. Last evaluated 2017-06-29.

Conditions:
BRCA2-related disorder. Also called: BRCA2-related condition; BRCA2-related disorders. Identifiers: MedGen CN239275.
Hereditary cancer-predisposing syndrome. Also called: Tumor predisposition; Hereditary Cancer Syndrome; Hereditary neoplastic syndrome; Neoplastic Syndromes, Hereditary. Identifiers: Orphanet 140162, MedGen C0027672, MeSH D009386, MONDO:0015356.
Hereditary breast ovarian cancer syndrome. Also called: Breast and ovarian cancer; Hereditary breast and ovarian cancer syndrome; Hereditary breast and ovarian cancer; BRCA1- and BRCA2-Associated Hereditary Breast and Ovarian Cancer; Hereditary breast and ovarian cancer syndrome (HBOC); Hereditary breast and/or ovarian cancer syndrome. Identifiers: Orphanet 145, MedGen C0677776, MeSH D061325, MONDO:0003582. Disease mechanism: loss of function.
Breast-ovarian cancer, familial, susceptibility to, 2 (BROVCA2). Also called: BRCA2 Hereditary Breast and Ovarian Cancer. Identifiers: Orphanet 145, MedGen C2675520, MONDO:0012933, OMIM 612555. Disease mechanism: loss of function.

Allele frequency attached by ClinVar (database versions not stated): ExAC 0.00001; gnomAD 0.00001.
gnomAD v4.1: 10 of 1,613,996 alleles (0.00062%); highest among the groups gnomAD compares: African/African-American, 0.004%; no homozygotes.

Submissions (8):

Evidence-based Network for the Interpretation of Germline Mutant Alleles (ENIGMA)
Classification: Likely benign for Breast-ovarian cancer, familial, susceptibility to, 2. Last evaluated: 2017-06-29. Review status: reviewed by expert panel. Criteria: ENIGMA BRCA1/2 Classification Criteria (2017-06-29). Collection method: curation. Allele origin: germline.
Comment: Synonymous substitution variant, with low bioinformatic likelihood to result in a splicing aberration (Splicing prior probability 0.02).

Labcorp Genetics (formerly Invitae), Labcorp
Classification: Likely benign for Hereditary breast ovarian cancer syndrome. Last evaluated: 2025-10-08. Review status: criteria provided, single submitter. Criteria: Invitae Variant Classification Sherloc (09022015). Collection method: clinical testing. Allele origin: germline. Not counted in ClinVar's aggregate classification.

All of Us Research Program, National Institutes of Health
Classification: Likely benign for Breast-ovarian cancer, familial, susceptibility to, 2. Last evaluated: 2023-10-27. Review status: criteria provided, single submitter. Criteria: ACMG Guidelines, 2015. Collection method: clinical testing. Allele origin: germline. Inheritance: Autosomal dominant inheritance. Observed: 1 variant allele, 1 heterozygote. Not counted in ClinVar's aggregate classification.
Comment: This study involves interpretation of variants in research participants for the purpose of population health screening. Participant phenotype was not available at the time of variant classification. Additional details can be found in publication PMID: 35346344, PMCID: PMC8962531

Women's Health and Genetics/Laboratory Corporation of America, LabCorp
Classification: Likely benign. Last evaluated: 2019-08-21. Review status: criteria provided, single submitter. Criteria: LabCorp Variant Classification Summary - May 2015. Collection method: clinical testing. Allele origin: germline. Not counted in ClinVar's aggregate classification.

Color Diagnostics, LLC DBA Color Health
Classification: Likely benign for Hereditary cancer-predisposing syndrome. Last evaluated: 2018-03-19. Review status: criteria provided, single submitter. Criteria: ACMG Guidelines, 2015. Collection method: clinical testing. Allele origin: germline. Not counted in ClinVar's aggregate classification.

Ambry Genetics
Classification: Likely benign for Hereditary cancer-predisposing syndrome. Last evaluated: 2017-10-03. Review status: criteria provided, single submitter. Criteria: Ambry Variant Classification Scheme 2023. Collection method: clinical testing. Allele origin: germline. Not counted in ClinVar's aggregate classification.

GeneDx
Classification: Benign. Last evaluated: 2015-03-03. Review status: criteria provided, single submitter. Criteria: GeneDx Variant Classification Process June 2021. Collection method: clinical testing. Allele origin: germline. Affected: yes. Not counted in ClinVar's aggregate classification.

PreventionGenetics, part of Exact Sciences
Classification: Likely benign for BRCA2-related condition. Last evaluated: 2023-09-06. Review status: no assertion criteria provided. Collection method: clinical testing. Allele origin: germline. Not counted in ClinVar's aggregate classification.
Comment: This variant is classified as likely benign based on ACMG/AMP sequence variant interpretation guidelines (Richards et al. 2015 PMID: 25741868, with internal and published modifications).